The following is an entry in ClinVar:

NM_004656.4(BAP1):c.1984-5T>C

Gene: BAP1 (BRCA1 associated deubiquitinase 1; minus strand). Cytogenetic location: 3p21.1.
Variant type: single nucleotide variant.
Coding change: c.1984-5T>C on transcript NM_004656.4 (MANE Select); 5 bases into the intron before coding-DNA position 1984, T replaced by C.
Molecular consequence: intron variant.
Genome position (GRCh38, 1-based): chr3:52,402,679, A>G on the plus strand (T>C on the coding strand, the complement: BAP1 is on the minus strand). VCF-style: chr3-52402679-A-G. GRCh37 (hg19) VCF-style: chr3-52436695-A-G.
Other names: c.1984-5T>C (NM_004656.2).
Identifiers: ClinVar variation 1147196 (VCV001147196.9), dbSNP rs766892411, ClinGen allele CA2436626.

ClinVar aggregate classification (germline): Benign/Likely benign. Review status: criteria provided, multiple submitters, no conflicts (2 of 4 stars). 3 submissions from 3 submitters: Benign (1); Likely benign (2). Last evaluated 2025-12-24.

Conditions:
Hereditary cancer-predisposing syndrome. Also called: Hereditary neoplastic syndrome; Neoplastic Syndromes, Hereditary; Tumor predisposition; Hereditary Cancer Syndrome. Identifiers: Orphanet 140162, MedGen C0027672, MeSH D009386, MONDO:0015356.
BAP1-related tumor predisposition syndrome (TPDS1). Also called: BAP1 tumor predisposition syndrome; TUMOR PREDISPOSITION SYNDROME 1; COMMON Syndrome; Tumor susceptibility linked to germline BAP1 mutations. Identifiers: Orphanet 289539, MedGen C3280492, MONDO:0013692, OMIM 614327.

Allele frequency attached by ClinVar (database versions not stated): gnomAD exomes below 0.00001; ExAC 0.00001.

Submissions (3):

Labcorp Genetics (formerly Invitae), Labcorp
Classification: Likely benign for BAP1-related tumor predisposition syndrome. Last evaluated: 2025-12-24. Review status: criteria provided, single submitter. Criteria: Invitae Variant Classification Sherloc (09022015). Collection method: clinical testing. Allele origin: germline.

Ambry Genetics
Classification: Benign for Hereditary cancer-predisposing syndrome. Last evaluated: 2025-01-15. Review status: criteria provided, single submitter. Criteria: Ambry Variant Classification Scheme 2023. Collection method: clinical testing. Allele origin: germline.

Myriad Genetics, Inc.
Classification: Likely benign for BAP1-related tumor predisposition syndrome. Last evaluated: 2024-07-17. Review status: criteria provided, single submitter. Criteria: Myriad Autosomal Dominant, Autosomal Recessive and X-Linked Classification Criteria (2023). Collection method: clinical testing. Allele origin: unknown.
Comment: This variant is considered likely benign. This variant is intronic and is not expected to impact mRNA splicing.

Literature cited by the submitters: PubMed 38969833 (cited by Ambry Genetics).